The following is an entry in ClinVar:

NM_018714.3(COG1):c.338del (p.Lys113fs)

Gene: COG1 (component of oligomeric golgi complex 1; plus strand). Cytogenetic location: 17q25.1.
Variant type: Deletion.
Coding change: c.338del on transcript NM_018714.3 (MANE Select); coding-DNA position 338, one base deleted (A; older notation c.338delA).
Protein change: p.Lys113fs; shifts the reading frame from lysine 113.
Molecular consequence: frameshift variant.
Genome position (GRCh38, 1-based): chr17:73,196,529, A deleted; the last of 2 consecutive A bases (chr17:73,196,528-73,196,529); deleting either gives the same sequence. VCF-style (leftmost placement, unchanged base first): chr17-73196527-GA-G. GRCh37 (hg19) VCF-style: chr17-71192666-GA-G.
Other names: c.338delA (NM_018714.3); short protein forms K113fs.
Identifiers: ClinVar variation 4845691 (VCV004845691.1).
Genomic context (GRCh38, chr17:73,196,527, plus strand): 5'-TGTTCGTTCTTCTGGTTTAGTTCTGTGCCTTCCCCTGCAGCCACAGCAGCCATCCCAGGA[GA>G]AGTTCTACAGCATGGCTGCCCAGATCAAGCTACTCTTAGAAATTCCGGAGAAGATCTGGA-3'

ClinVar aggregate classification (germline): Likely pathogenic (1 of 4 stars; one submission).

Conditions:
COG1 congenital disorder of glycosylation (CDG2G). Also called: CONGENITAL DISORDER OF GLYCOSYLATION, TYPE IIg; CDG IIg; CDGII/COG1 CEREBROCOSTOMANDIBULAR-LIKE SYNDROME. Identifiers: Orphanet 263508, MedGen C2931011, MONDO:0012637, OMIM 611209.

Submission:

First Genomix Gene Laboratory, Genetic Diagnostics Department
Classification: Likely pathogenic for COG1 congenital disorder of glycosylation. Last evaluated: 2025-01-16. Review status: criteria provided, single submitter. Criteria: ACMG Guidelines, 2015. Collection method: clinical testing. Allele origin: germline. Inheritance: Autosomal recessive inheritance. Affected: no. Observed: 1 variant allele.